The following is an entry in ClinVar:

NM_017871.6(INTS11):c.29-830T>C

Gene: INTS11 (integrator complex subunit 11; minus strand). Cytogenetic location: 1p36.33.
Variant type: single nucleotide variant.
Coding change: c.29-830T>C on transcript NM_017871.6 (MANE Select); 830 bases into the intron before coding-DNA position 29, T replaced by C.
Molecular consequence: intron variant. On other transcripts: missense variant (1).
Genome position (GRCh38, 1-based): chr1:1,321,923, A>G on the plus strand (T>C on the coding strand, the complement: INTS11 is on the minus strand). VCF-style: chr1-1321923-A-G. GRCh37 (hg19) VCF-style: chr1-1257303-A-G.
Other names: c.31T>C, p.Trp11Arg (NM_001256456.2); c.29-830T>C (NM_001256463.2); c.-59-830T>C (NM_001256460.2); c.139+1254T>C (NM_001256462.2); short protein forms W11R.
Identifiers: ClinVar variation 5002891 (VCV005002891.1).

ClinVar aggregate classification (germline): Uncertain significance (1 of 4 stars; one submission).

Conditions:
Neurodevelopmental disorder with motor and language delay, ocular defects, and brain abnormalities (NEDMLOB). Identifiers: MedGen C5830596, MONDO:0957386, OMIM 620428.

Submission:

OLLIN Analises Genomicas, OLLIN
Classification: Uncertain significance for Neurodevelopmental disorder with motor and language delay, ocular defects, and brain abnormalities. Last evaluated: 2026-08-06. Review status: criteria provided, single submitter. Criteria: ACMG Guidelines 2015 PMID 25741868. Collection method: clinical testing. Allele origin: germline. Inheritance: Autosomal recessive inheritance.
Comment: This variant is absent from gnomAD and ClinVar and has not been found in the scientific literature. According to the currently available evidence, this variant has been classified as uncertain significance (PM2_P).